The following is an entry in ClinVar:

ClinVar aggregate classification (germline): Uncertain significance. Review status: criteria provided, multiple submitters, no conflicts (2 of 4 stars). 2 submissions from 2 submitters: Uncertain significance (2). Last evaluated 2022-06-28.

Conditions:
Inborn genetic diseases. Identifiers: MedGen C0950123, MeSH D030342.
Cowden syndrome (CS). Also called: Cowden's disease; Cowden's syndrome; Cowden disease. Identifiers: Orphanet 201, MedGen C0018553, MONDO:0016063. Disease mechanism: gain of function.

Submissions (2):

Ambry Genetics
Classification: Uncertain significance for Inborn genetic diseases. Last evaluated: 2022-06-28. Review status: criteria provided, single submitter. Criteria: Ambry Variant Classification Scheme 2023. Collection method: clinical testing. Allele origin: germline.
Comment: The p.Y691C variant (also known as c.2072A>G), located in coding exon 13 of the PIK3CA gene, results from an A to G substitution at nucleotide position 2072. The tyrosine at codon 691 is replaced by cysteine, an amino acid with highly dissimilar properties. This amino acid position is conserved. In addition, this alteration is predicted to be deleterious by in silico analysis. Since supporting evidence is limited at this time, the clinical significance of this alteration remains unclear.

Labcorp Genetics (formerly Invitae), Labcorp
Classification: Uncertain significance for Cowden syndrome. Last evaluated: 2018-08-13. Review status: criteria provided, single submitter. Criteria: Invitae Variant Classification Sherloc (09022015). Collection method: clinical testing. Allele origin: germline.
Comment: In summary, the available evidence is currently insufficient to determine the role of this variant in disease. Therefore, it has been classified as a Variant of Uncertain Significance. Algorithms developed to predict the effect of missense changes on protein structure and function (SIFT, PolyPhen-2, Align-GVGD) all suggest that this variant is likely to be disruptive, but these predictions have not been confirmed by published functional studies and their clinical significance is uncertain. This variant has not been reported in the literature in individuals with PIK3CA-related disease. This variant is not present in population databases (ExAC no frequency). This sequence change replaces tyrosine with cysteine at codon 691 of the PIK3CA protein (p.Tyr691Cys). The tyrosine residue is highly conserved and there is a large physicochemical difference between tyrosine and cysteine.

NM_006218.4(PIK3CA):c.2072A>G (p.Tyr691Cys)

Gene: PIK3CA (phosphatidylinositol-4,5-bisphosphate 3-kinase catalytic subunit alpha; plus strand). Cytogenetic location: 3q26.32.
Variant type: single nucleotide variant.
Coding change: c.2072A>G on transcript NM_006218.4 (MANE Select); coding-DNA position 2072, A replaced by G.
Protein change: p.Tyr691Cys; replaces tyrosine 691 with cysteine.
Molecular consequence: missense variant.
Genome position (GRCh38, 1-based): chr3:179,221,042, A>G. VCF-style: chr3-179221042-A-G. GRCh37 (hg19) VCF-style: chr3-178938830-A-G.
Other names: c.2072A>G (LRG_310t1); short protein forms Y691C.
Identifiers: ClinVar variation 664405 (VCV000664405.10), dbSNP rs1397152286, ClinGen allele CA355268865.